The following is an entry in ClinVar:

ClinVar aggregate classification (germline): Pathogenic. Review status: criteria provided, multiple submitters, no conflicts (2 of 4 stars). 5 submissions from 5 submitters: Pathogenic (3). 2 of the submissions do not count toward it. Last evaluated 2024-12-10.

Conditions:
Cardiovascular phenotype. Identifiers: MedGen CN230736.
Arterial tortuosity syndrome (ATORS). Identifiers: Orphanet 3342, MedGen C1859726, MONDO:0008818, OMIM 208050.

Allele frequency attached by ClinVar (database versions not stated): TOPMed 0.00001; gnomAD 0.00002; ExAC 0.00001; gnomAD exomes 0.00001.
gnomAD v4.1: 21 of 1,614,034 alleles (0.0013%); highest among the groups gnomAD compares: East Asian, 0.011%; no homozygotes.

Submissions (5):

Labcorp Genetics (formerly Invitae), Labcorp
Classification: Pathogenic for Arterial tortuosity syndrome. Last evaluated: 2024-12-10. Review status: criteria provided, single submitter. Criteria: Invitae Variant Classification Sherloc (09022015). Collection method: clinical testing. Allele origin: germline.
Comment: This sequence change replaces arginine, which is basic and polar, with glutamine, which is neutral and polar, at codon 231 of the SLC2A10 protein (p.Arg231Gln). This variant is present in population databases (rs771028960, gnomAD 0.004%). This missense change has been observed in individual(s) with arterial tortuosity syndrome (PMID: 17935213). In at least one individual the data is consistent with being in trans (on the opposite chromosome) from a pathogenic variant. It has also been observed to segregate with disease in related individuals. ClinVar contains an entry for this variant (Variation ID: 161097). Invitae Evidence Modeling of protein sequence and biophysical properties (such as structural, functional, and spatial information, amino acid conservation, physicochemical variation, residue mobility, and thermodynamic stability) indicates that this missense variant is expected to disrupt SLC2A10 protein function with a positive predictive value of 95%. This variant disrupts the p.Arg231 amino acid residue in SLC2A10. Other variant(s) that disrupt this residue have been observed in individuals with SLC2A10-related conditions (PMID: 19781076), which suggests that this may be a clinically significant amino acid residue. For these reasons, this variant has been classified as Pathogenic.

Women's Health and Genetics/Laboratory Corporation of America, LabCorp
Classification: Pathogenic for Arterial tortuosity syndrome. Last evaluated: 2024-08-13. Review status: criteria provided, single submitter. Criteria: LabCorp Variant Classification Summary - May 2015. Collection method: clinical testing. Allele origin: germline.
Comment: Variant summary: SLC2A10 c.692G>A (p.Arg231Gln) results in a conservative amino acid change in the encoded protein sequence. Three of five in-silico tools predict a damaging effect of the variant on protein function. The variant allele was found at a frequency of 8e-06 in 250976 control chromosomes (gnomAD). c.692G>A has been reported in the literature in multiple individuals affected with Arterial Tortuosity Syndrome (e.g. Callewaert_2008, Takahashi_2013, Beyens_2018). These data indicate that the variant is very likely to be associated with disease. The following publications have been ascertained in the context of this evaluation (PMID: 17935213, 29323665, 23494979). ClinVar contains an entry for this variant (Variation ID: 161097). Based on the evidence outlined above, the variant was classified as pathogenic.

Ambry Genetics
Classification: Pathogenic for Cardiovascular phenotype. Last evaluated: 2014-03-27. Review status: criteria provided, single submitter. Criteria: Ambry Autosomal Dominant and X-Linked criteria (10/2015). Collection method: clinical testing. Allele origin: germline. Observed: 1 variant allele.
Comment: The p.R231Q pathogenic mutation (also known as c.692G>A), located in coding exon 2 of the SLC2A10 gene in the endofacial loop between two transmembrane domains, results from a G to A substitution at nucleotide position 692. The arginine at codon 231 is replaced by glutamine. This amino acid position is highly conserved on sequence alignment. This alteration was originally reported in a Spanish family in trans with a frameshift mutation in three affected siblings (Callewaert BL et al. Hum Mutat. 2008;29(1):150-158). Another alteration of the same codon, p.R231W (c.691C>T), was reported in trans with a frameshift mutation in an Italian family (Ritelli M et al. Orphanet J Rare Dis. 2009;4:20). Based on the supporting evidence, p.R231Q is interpreted as a disease-causing mutation.

Division of Human Genetics, Children's Hospital of Philadelphia
Classification: Likely pathogenic for Arterial tortuosity syndrome. Last evaluated: 2015-04-01. Review status: no assertion criteria provided. Collection method: research. Allele origin: germline. Study: CSER-PediSeq. Not counted in ClinVar's aggregate classification.
Comment: The SLC2A10 variant (c.692G>A) was identified in several patients and segregated in a family with marked carotid artery pulsations and dysmorphic features (Callewaert et al. 2008, PMID: 17935213; Takahashi e al. 2012, PMID: 23494979).

GeneReviews
No classification provided. Condition: Arterial tortuosity syndrome. Review status: no classification provided. Collection method: literature only. Allele origin: germline. Affected: yes. Not counted in ClinVar's aggregate classification.

Literature cited by the submitters: PubMed 17935213 (cited by 5 submitters); PubMed 19781076 (cited by Labcorp Genetics (formerly Invitae), Labcorp and Ambry Genetics); PubMed 29323665 (cited by Women's Health and Genetics/Laboratory Corporation of America, LabCorp); PubMed 23494979 (cited by 4 submitters); NCBI Bookshelf NBK253404 (cited by GeneReviews).

NM_030777.4(SLC2A10):c.692G>A (p.Arg231Gln)

Gene: SLC2A10 (solute carrier family 2 member 10; plus strand). Cytogenetic location: 20q13.12.
Variant type: single nucleotide variant.
Coding change: c.692G>A on transcript NM_030777.4 (MANE Select); coding-DNA position 692, G replaced by A.
Protein change: p.Arg231Gln; replaces arginine 231 with glutamine.
Molecular consequence: missense variant.
Genome position (GRCh38, 1-based): chr20:46,725,728, G>A. VCF-style: chr20-46725728-G-A. GRCh37 (hg19) VCF-style: chr20-45354367-G-A.
Other names: short protein forms R231Q.
Identifiers: ClinVar variation 161097 (VCV000161097.14), dbSNP rs771028960, ClinGen allele CA346910.